The following is an entry in ClinVar:

ClinVar aggregate classification (germline): Conflicting classifications of pathogenicity. Review status: criteria provided, conflicting classifications (1 of 4 stars). 4 submissions from 4 submitters: Uncertain significance (3); Likely benign (1). Last evaluated 2025-04-10.

Conditions:
Spastic paraplegia. Identifiers: MedGen C0037772, HP:0001258.
Inborn genetic diseases. Identifiers: MedGen C0950123, MeSH D030342.

Allele frequency attached by ClinVar (database versions not stated): ExAC 0.00003; gnomAD 0.00005; gnomAD exomes 0.00006 and 0.00009; TOPMed 0.00011.
gnomAD v4.1: 136 of 1,613,800 alleles (0.0084%); highest among the groups gnomAD compares: Middle Eastern, 0.049%; 1 homozygote.

Submissions (4):

Ambry Genetics
Classification: Uncertain significance for Inborn genetic diseases. Last evaluated: 2025-04-10. Review status: criteria provided, single submitter. Criteria: Ambry Variant Classification Scheme 2023. Collection method: clinical testing. Allele origin: germline.

Blueprint Genetics
Classification: Uncertain significance. Last evaluated: 2024-06-18. Review status: criteria provided, single submitter. Criteria: ACMG Guidelines, 2015. Collection method: clinical testing. Allele origin: germline.

CeGaT Center for Human Genetics Tuebingen
Classification: Likely benign. Last evaluated: 2024-04-01. Review status: criteria provided, single submitter. Criteria: CeGaT Center For Human Genetics Tuebingen Variant Classification Criteria Version 2. Collection method: clinical testing. Allele origin: germline. Affected: yes. Observed: 3 variant alleles.
Comment: GBA2: BP4

Labcorp Genetics (formerly Invitae), Labcorp
Classification: Uncertain significance for Spastic paraplegia. Last evaluated: 2022-10-24. Review status: criteria provided, single submitter. Criteria: Invitae Variant Classification Sherloc (09022015). Collection method: clinical testing. Allele origin: germline.
Comment: This sequence change replaces valine, which is neutral and non-polar, with isoleucine, which is neutral and non-polar, at codon 809 of the GBA2 protein (p.Val809Ile). This variant is present in population databases (rs778985234, gnomAD 0.03%). This variant has not been reported in the literature in individuals affected with GBA2-related conditions. ClinVar contains an entry for this variant (Variation ID: 652063). Advanced modeling of protein sequence and biophysical properties (such as structural, functional, and spatial information, amino acid conservation, physicochemical variation, residue mobility, and thermodynamic stability) performed at Invitae indicates that this missense variant is not expected to disrupt GBA2 protein function. In summary, the available evidence is currently insufficient to determine the role of this variant in disease. Therefore, it has been classified as a Variant of Uncertain Significance.

NM_020944.3(GBA2):c.2425G>A (p.Val809Ile)

Gene: GBA2 (glucosylceramidase beta 2; minus strand). Cytogenetic location: 9p13.3.
Variant type: single nucleotide variant.
Coding change: c.2425G>A on transcript NM_020944.3 (MANE Select); coding-DNA position 2425, G replaced by A.
Protein change: p.Val809Ile; replaces valine 809 with isoleucine.
Molecular consequence: missense variant.
Genome position (GRCh38, 1-based): chr9:35,737,828, C>T on the plus strand (G>A on the coding strand, the complement: GBA2 is on the minus strand). VCF-style: chr9-35737828-C-T. GRCh37 (hg19) VCF-style: chr9-35737825-C-T.
Other names: c.2425G>A, p.Val809Ile (NM_001330660.2); short protein forms V809I.
Identifiers: ClinVar variation 652063 (VCV000652063.47), dbSNP rs778985234, ClinGen allele CA5050103.